The following is an entry in ClinVar:

NM_000138.5(FBN1):c.4382G>C (p.Cys1461Ser)

Gene: FBN1 (fibrillin 1; minus strand). Cytogenetic location: 15q21.1.
Variant type: single nucleotide variant.
Coding change: c.4382G>C on transcript NM_000138.5 (MANE Select); coding-DNA position 4382, G replaced by C.
Protein change: p.Cys1461Ser; replaces cysteine 1461 with serine.
Molecular consequence: missense variant.
Genome position (GRCh38, 1-based): chr15:48,470,711, C>G on the plus strand (G>C on the coding strand, the complement: FBN1 is on the minus strand). VCF-style: chr15-48470711-C-G. GRCh37 (hg19) VCF-style: chr15-48762908-C-G.
Other names: short protein forms C1461S.
Identifiers: ClinVar variation 430423 (VCV000430423.4), dbSNP rs1057522902, ClinGen allele CA392354610.

ClinVar aggregate classification (germline): Pathogenic/Likely pathogenic. Review status: criteria provided, multiple submitters, no conflicts (2 of 4 stars). 2 submissions from 2 submitters: Pathogenic (1); Likely pathogenic (1). Last evaluated 2023-09-22.

Conditions:
Marfan syndrome (MFS). Also called: MARFAN SYNDROME, TYPE I; FBN1-Related Marfan Syndrome; Marfan syndrome type 1; Marfan's syndrome; Marfan syndrome, classic. Identifiers: Orphanet 284963, Orphanet 558, MedGen C0024796, MONDO:0007947, OMIM 154700.
Familial thoracic aortic aneurysm and aortic dissection (TAAD). Also called: Thoracic aortic aneurysms and dissections. Identifiers: Orphanet 91387, MedGen C4707243, MONDO:0019625.

Submissions (2):

Labcorp Genetics (formerly Invitae), Labcorp
Classification: Pathogenic for Marfan syndrome; Familial thoracic aortic aneurysm and aortic dissection. Last evaluated: 2023-09-22. Review status: criteria provided, single submitter. Criteria: Invitae Variant Classification Sherloc (09022015). Collection method: clinical testing. Allele origin: germline.
Comment: For these reasons, this variant has been classified as Pathogenic. This variant disrupts the p.Cys1461 amino acid residue in FBN1. Other variant(s) that disrupt this residue have been observed in individuals with FBN1-related conditions (PMID: 25053872; Invitae), which suggests that this may be a clinically significant amino acid residue. This variant affects a cysteine residue in the EGF-like, TGFBP or hybrid motif domains of FBN1. Cysteine residues are believed to be involved in intramolecular disulfide bridges and have been shown to be important for FBN1 protein structure (PMID: 16905551, 19349279). In addition, missense substitutions affecting cysteine residues within these domains are significantly overrepresented among patients with Marfan syndrome (PMID: 16571647, 17701892). Advanced modeling of protein sequence and biophysical properties (such as structural, functional, and spatial information, amino acid conservation, physicochemical variation, residue mobility, and thermodynamic stability) performed at Invitae indicates that this missense variant is expected to disrupt FBN1 protein function. ClinVar contains an entry for this variant (Variation ID: 430423). This missense change has been observed in individual(s) with clinical features of Marfan syndrome (PMID: 29848614). This variant is not present in population databases (gnomAD no frequency). This sequence change replaces cysteine, which is neutral and slightly polar, with serine, which is neutral and polar, at codon 1461 of the FBN1 protein (p.Cys1461Ser).

GeneDx
Classification: Likely pathogenic. Last evaluated: 2017-05-26. Review status: criteria provided, single submitter. Criteria: GeneDx Variant Classification (06012015). Collection method: clinical testing. Allele origin: germline. Affected: yes.
Comment: The C1461S likely pathogenic variant in the FBN1 gene has not been published as pathogenic or been reported as benign to our knowledge. However, a different likely pathogenic variant affecting the same residue (C1461R) has been reported in a child with incomplete Marfan syndrome (Li et al., 2014). The C1461S variant is not observed in large population cohorts (Lek et al., 2016; 1000 Genomes Consortium et al., 2015; Exome Variant Server). This variant is a non-conservative amino acid substitution, which is likely to impact secondary protein structure as these residues differ in polarity, charge, size and/or other properties. This substitution occurs at a position that is conserved across species, and in silico analysis predicts this variant is probably damaging to the protein structure/function. Furthermore, the C1461S variant affects a Cysteine residue within a calcium-binding EGF-like domain of the FBN1 gene, which may affect disulfide bonding and is predicted to alter the structure and function of the protein. Cysteine substitutions in the calcium-binding EGF-like domains represent the majority of pathogenic missense changes associated with Marfan syndrome (Collod-Beroud et al., 2003).

Literature cited by the submitters: PubMed 25053872 (cited by Labcorp Genetics (formerly Invitae), Labcorp); PubMed 16905551 (cited by Labcorp Genetics (formerly Invitae), Labcorp); PubMed 19349279 (cited by Labcorp Genetics (formerly Invitae), Labcorp); PubMed 16571647 (cited by Labcorp Genetics (formerly Invitae), Labcorp); PubMed 17701892 (cited by Labcorp Genetics (formerly Invitae), Labcorp); PubMed 29848614 (cited by Labcorp Genetics (formerly Invitae), Labcorp).